The following is an entry in ClinVar:

ClinVar aggregate classification (germline): Conflicting classifications of pathogenicity. Review status: criteria provided, conflicting classifications (1 of 4 stars). 2 submissions from 2 submitters: Uncertain significance (1); Likely benign (1). Last evaluated 2026-01-01.

Conditions:
Inborn genetic diseases. Identifiers: MedGen C0950123, MeSH D030342.

Allele frequency attached by ClinVar (database versions not stated): TOPMed 0.00001; gnomAD 0.00003; ExAC 0.00007; 1000 Genomes Project 30x 0.00016; 1000 Genomes Project 0.00020.
gnomAD v4.1: 85 of 1,612,206 alleles (0.0053%); highest among the groups gnomAD compares: South Asian, 0.083%; no homozygotes.

Submissions (2):

CeGaT Center for Human Genetics Tuebingen
Classification: Uncertain significance. Last evaluated: 2026-01-01. Review status: criteria provided, single submitter. Criteria: CeGaT Center For Human Genetics Tuebingen Variant Classification Criteria Version 2. Collection method: clinical testing. Allele origin: germline. Affected: yes. Observed: 1 variant allele.
Comment: VPS13A: PM2, BP4

Ambry Genetics
Classification: Likely benign for Inborn genetic diseases. Last evaluated: 2023-06-26. Review status: criteria provided, single submitter. Criteria: Ambry Variant Classification Scheme 2023. Collection method: clinical testing. Allele origin: germline.

NM_033305.3(VPS13A):c.1622A>G (p.His541Arg)

Gene: VPS13A (vacuolar protein sorting 13 homolog A; plus strand). Cytogenetic location: 9q21.2.
Variant type: single nucleotide variant.
Coding change: c.1622A>G on transcript NM_033305.3 (MANE Select); coding-DNA position 1622, A replaced by G.
Protein change: p.His541Arg; replaces histidine 541 with arginine.
Molecular consequence: missense variant.
Genome position (GRCh38, 1-based): chr9:77,238,028, A>G. VCF-style: chr9-77238028-A-G. GRCh37 (hg19) VCF-style: chr9-79852944-A-G.
Other names: c.1622A>G, p.His541Arg (NM_001018037.2, NM_001018038.3, NM_015186.4); short protein forms H541R.
Identifiers: ClinVar variation 2602427 (VCV002602427.6), dbSNP rs555534237, ClinGen allele CA5091750.